The following is an entry in ClinVar:

ClinVar aggregate classification (germline): Uncertain significance (1 of 4 stars; one submission).

Conditions:
D-2-hydroxyglutaric aciduria 1 (D2HGA1). Identifiers: Orphanet 79315, MedGen C3152055, MONDO:0024554, OMIM 600721.

Allele frequency attached by ClinVar (database versions not stated): gnomAD exomes below 0.00001; gnomAD 0.00001; TOPMed 0.00001.
gnomAD v4.1: 2 of 1,613,946 alleles (0.00012%); highest among the groups gnomAD compares: Admixed American, 0.0017%; no homozygotes.

Submission:

Labcorp Genetics (formerly Invitae), Labcorp
Classification: Uncertain significance for D-2-hydroxyglutaric aciduria 1. Last evaluated: 2022-11-15. Review status: criteria provided, single submitter. Criteria: Invitae Variant Classification Sherloc (09022015). Collection method: clinical testing. Allele origin: germline.
Comment: In summary, the available evidence is currently insufficient to determine the role of this variant in disease. Therefore, it has been classified as a Variant of Uncertain Significance. Advanced modeling of protein sequence and biophysical properties (such as structural, functional, and spatial information, amino acid conservation, physicochemical variation, residue mobility, and thermodynamic stability) performed at Invitae indicates that this missense variant is not expected to disrupt D2HGDH protein function. This variant has not been reported in the literature in individuals affected with D2HGDH-related conditions. This variant is not present in population databases (gnomAD no frequency). This sequence change replaces serine, which is neutral and polar, with glycine, which is neutral and non-polar, at codon 158 of the D2HGDH protein (p.Ser158Gly).

NM_152783.5(D2HGDH):c.472A>G (p.Ser158Gly)

Gene: D2HGDH (D-2-hydroxyglutarate dehydrogenase; plus strand). Cytogenetic location: 2q37.3.
Variant type: single nucleotide variant.
Coding change: c.472A>G on transcript NM_152783.5 (MANE Select); coding-DNA position 472, A replaced by G.
Protein change: p.Ser158Gly; replaces serine 158 with glycine.
Molecular consequence: missense variant. On other transcripts: 5 prime UTR variant (1), non-coding transcript variant (1).
Genome position (GRCh38, 1-based): chr2:241,742,556, A>G. VCF-style: chr2-241742556-A-G. GRCh37 (hg19) VCF-style: chr2-242681971-A-G.
Other names: c.70A>G, p.Ser24Gly (NM_001287249.2); c.-73A>G (NM_001352824.2); short protein forms S158G, S24G.
Identifiers: ClinVar variation 2159650 (VCV002159650.3), dbSNP rs1472281162, ClinGen allele CA351406402.